The following is an entry in ClinVar:

NM_001083962.2(TCF4):c.1424dup (p.Gln476fs)

Gene: TCF4 (transcription factor 4; minus strand). Cytogenetic location: 18q21.2.
Variant type: Duplication.
Coding change: c.1424dup on transcript NM_001083962.2 (MANE Select); coding-DNA position 1424, one base duplicated (C; older notation c.1424dupC).
Protein change: p.Gln476fs; shifts the reading frame from glutamine 476.
Molecular consequence: frameshift variant.
Genome position (GRCh38, 1-based): chr18:55,234,610, G duplicated on the plus strand (C on the coding strand, the reverse complement: TCF4 is on the minus strand); the first of 2 consecutive G bases (chr18:55,234,610-55,234,611); duplicating either gives the same sequence. VCF-style (leftmost placement, unchanged base first): chr18-55234609-T-TG. GRCh37 (hg19) VCF-style: chr18-52901840-T-TG.
Other names: c.1730dup, p.Gln578fs (NM_001243226.3); c.1352dup, p.Gln452fs (NM_001243227.2, NM_001306207.1, NM_001348217.1 and 5 more transcripts); c.1442dup, p.Gln482fs (NM_001243228.2); c.1415dup, p.Gln473fs (NM_001243230.2); c.1298dup, p.Gln434fs (NM_001243231.2, NM_001348211.2); c.1211dup, p.Gln405fs (NM_001243232.1, NM_001306208.1); c.1034dup, p.Gln346fs (NM_001243233.2, NM_001330605.3, NM_001348212.2 and 1 more transcripts); c.944dup, p.Gln316fs (NM_001243234.2, NM_001243235.2, NM_001243236.2 and 1 more transcripts); and 6 more; short protein forms Q260fs, Q315fs, Q316fs, Q346fs, Q405fs, Q434fs, Q451fs, Q452fs.
Identifiers: ClinVar variation 3377281 (VCV003377281.1).
Genomic context (GRCh38, chr18:55,234,609, plus strand): 5'-TCTGTAAGGGTCCTGGGGTGGGTTCAGGTCAGGGGAAGTCGCAGACTGGACAGGAAGCTG[T>TG]GGAACCGGAACCTGGTTTGGCAGAAGAGAATGGCTGCCTCTCAGGGCCACGCCATCTTCA-3'

ClinVar aggregate classification (germline): Pathogenic (1 of 4 stars; one submission).

Conditions:
Pitt-Hopkins syndrome (PTHS). Also called: MENTAL RETARDATION, SYNDROMAL, WITH INTERMITTENT HYPERVENTILATION; ENCEPHALOPATHY, SEVERE EPILEPTIC, WITH AUTONOMIC DYSFUNCTION. Identifiers: Orphanet 2896, MedGen C1970431, MONDO:0012589, OMIM 610954.

Submission:

Victorian Clinical Genetics Services, Murdoch Childrens Research Institute
Classification: Pathogenic for Pitt-Hopkins syndrome. Last evaluated: 2024-10-10. Review status: criteria provided, single submitter. Criteria: ACMG Guidelines, 2015. Collection method: clinical testing. Allele origin: germline. Inheritance: Autosomal dominant inheritance. Affected: yes.
Comment: Based on the classification scheme VCGS_Germline_v1.3.5, this variant is classified as Pathogenic. Following criteria are met: 0102 - Loss of function is a known mechanism of disease in this gene and is associated with Pitt-Hopkins syndrome (MIM#610954), and dominant negative is a suggested mechanism for some missense variants (PMID: 22460224, PMID: 34134113). Fuchs endothelial corneal dystrophy (MIM#613267) is only caused by expanded CTG repeats (OMIM), where the mechanism is unclear. (I) 0107 - This gene is associated with autosomal dominant disease. (I) 0112 - The condition corneal dystrophy associated with this gene has incomplete penetrance (OMIM). (I) 0201 - Variant is predicted to cause nonsense-mediated decay (NMD) and loss of protein (premature termination codon is located at least 54 nucleotides upstream of the final exon-exon junction). (SP) 0251 - This variant is heterozygous. (I) 0301 - Variant is absent from gnomAD (v2, v3 and v4). (SP) 0701 - Other NMD-predicted variants comparable to the one identified in this case have very strong previous evidence for pathogenicity (DECIPHER). (SP) 0807 - This variant has no previous evidence of pathogenicity. (I) 0905 - No published segregation evidence has been identified for this variant. (I) 1007 - No published functional evidence has been identified for this variant. (SP) Legend: (SP) - Supporting pathogenic, (I) - Information, (SB) - Supporting benign

Literature cited by the submitters: PubMed 22460224; PubMed 34134113.